The following is an entry in ClinVar:

ClinVar aggregate classification (germline): Uncertain significance. Review status: criteria provided, multiple submitters, no conflicts (2 of 4 stars). 2 submissions from 2 submitters: Uncertain significance (2). Last evaluated 2023-07-10.

Conditions:
Long QT syndrome (LQTS). Identifiers: MedGen C0023976, MeSH D008133, MONDO:0002442. Disease mechanism: loss of function. Inheritance: Various modes of inheritance.
Cardiac arrhythmia. Also called: Arrhythmia; Cardiac rhythm disease. Identifiers: MedGen C0003811, MONDO:0007263, HP:0011675.

Submissions (2):

All of Us Research Program, National Institutes of Health
Classification: Uncertain significance for Long QT syndrome. Last evaluated: 2023-07-10. Review status: criteria provided, single submitter. Criteria: ACMG Guidelines, 2015. Collection method: clinical testing. Allele origin: germline. Inheritance: Autosomal dominant inheritance. Observed: 1 variant allele, 1 heterozygote.
Comment: This missense variant replaces isoleucine with valine at codon 375 of the KCNQ1 protein. Computational prediction suggests that this variant may have deleterious impact on protein structure and function (internally defined REVEL score threshold >= 0.7, PMID: 27666373). To our knowledge, functional studies have not been reported for this variant. This variant has not been reported in individuals affected with KCNQ1-related disorders in the literature. This variant has not been identified in the general population by the Genome Aggregation Database (gnomAD). The available evidence is insufficient to determine the role of this variant in disease conclusively. Therefore, this variant is classified as a Variant of Uncertain Significance.

This study involves interpretation of variants in research participants for the purpose of population health screening. Participant phenotype was not available at the time of variant classification. Additional details can be found in publication PMID: 35346344, PMCID: PMC8962531

Color Diagnostics, LLC DBA Color Health
Classification: Uncertain significance for Cardiac arrhythmia. Last evaluated: 2023-06-28. Review status: criteria provided, single submitter. Criteria: ACMG Guidelines, 2015. Collection method: clinical testing. Allele origin: germline.
Comment: This missense variant replaces isoleucine with valine at codon 375 of the KCNQ1 protein. Computational prediction suggests that this variant may have deleterious impact on protein structure and function (internally defined REVEL score threshold >= 0.7, PMID: 27666373). To our knowledge, functional studies have not been reported for this variant. This variant has not been reported in individuals affected with KCNQ1-related disorders in the literature. This variant has not been identified in the general population by the Genome Aggregation Database (gnomAD). The available evidence is insufficient to determine the role of this variant in disease conclusively. Therefore, this variant is classified as a Variant of Uncertain Significance.

NM_000218.3(KCNQ1):c.1123A>G (p.Ile375Val)

Gene: KCNQ1 (potassium voltage-gated channel subfamily Q member 1; plus strand). Cytogenetic location: 11p15.5.
Variant type: single nucleotide variant.
Coding change: c.1123A>G on transcript NM_000218.3 (MANE Select); coding-DNA position 1123, A replaced by G.
Protein change: p.Ile375Val; replaces isoleucine 375 with valine.
Molecular consequence: missense variant. On other transcripts: intron variant (2).
Genome position (GRCh38, 1-based): chr11:2,585,302, A>G. VCF-style: chr11-2585302-A-G. GRCh37 (hg19) VCF-style: chr11-2606532-A-G.
Other names: c.853A>G, p.Ile285Val (NM_001406837.1); c.742A>G, p.Ile248Val (NM_181798.2); c.1032+1757A>G (NM_001406836.1); c.588+1757A>G (NM_001406838.1); short protein forms I248V, I285V, I375V.
Identifiers: ClinVar variation 3072390 (VCV003072390.2), dbSNP rs794728526, ClinGen allele CA216330148.
Genomic context (GRCh38, chr11:2,585,302, plus strand): 5'-GTGCAGCAGAAGCAGAGGCAGAAGCACTTCAACCGGCAGATCCCGGCGGCAGCCTCACTC[A>G]TTCAGGTGCGGTGCCTGCAAGGCCCTGGTCACTGTCATTTTGGTCACTGTTATTGTTGCA-3'
Protein context (NP_000209.2, residues 365-385): NRQIPAAASL[Ile375Val]QTAWRCYAAE